The following is an entry in ClinVar:

NM_001200.4(BMP2):c.683T>C (p.Val228Ala)

Gene: BMP2 (bone morphogenetic protein 2; plus strand). Cytogenetic location: 20p12.3.
Variant type: single nucleotide variant.
Coding change: c.683T>C on transcript NM_001200.4 (MANE Select); coding-DNA position 683, T replaced by C.
Protein change: p.Val228Ala; replaces valine 228 with alanine.
Molecular consequence: missense variant.
Genome position (GRCh38, 1-based): chr20:6,778,581, T>C. VCF-style: chr20-6778581-T-C. GRCh37 (hg19) VCF-style: chr20-6759228-T-C.
Other names: c.683T>C (NM_001200.2); short protein forms V228A.
Identifiers: ClinVar variation 3667391 (VCV003667391.3).

ClinVar aggregate classification (germline): Uncertain significance. Review status: criteria provided, multiple submitters, no conflicts (2 of 4 stars). 2 submissions from 2 submitters: Uncertain significance (2). Last evaluated 2025-07-27.

Conditions:
Inborn genetic diseases. Identifiers: MedGen C0950123, MeSH D030342.

gnomAD v4.1: 20 of 1,614,008 alleles (0.0012%); highest among the groups gnomAD compares: Admixed American, 0.033%; no homozygotes.

Submissions (2):

Labcorp Genetics (formerly Invitae), Labcorp
Classification: Uncertain significance. Last evaluated: 2025-07-27. Review status: criteria provided, single submitter. Criteria: Invitae Variant Classification Sherloc (09022015). Collection method: clinical testing. Allele origin: germline.
Comment: This sequence change replaces valine, which is neutral and non-polar, with alanine, which is neutral and non-polar, at codon 228 of the BMP2 protein (p.Val228Ala). This variant is present in population databases (rs774548159, gnomAD 0.05%), and has an allele count higher than expected for a pathogenic variant. This variant has not been reported in the literature in individuals affected with BMP2-related conditions. ClinVar contains an entry for this variant (Variation ID: 3667391). An algorithm developed to predict the effect of missense changes on protein structure and function (PolyPhen-2) suggests that this variant is likely to be tolerated. In summary, the available evidence is currently insufficient to determine the role of this variant in disease. Therefore, it has been classified as a Variant of Uncertain Significance.

Ambry Genetics
Classification: Uncertain significance for Inborn genetic diseases. Last evaluated: 2025-06-07. Review status: criteria provided, single submitter. Criteria: Ambry Variant Classification Scheme 2023. Collection method: clinical testing. Allele origin: germline.